The following is an entry in ClinVar:

NM_000465.4(BARD1):c.1818del (p.His606fs)

Gene: BARD1 (BRCA1 associated RING domain 1; minus strand). Cytogenetic location: 2q35.
Variant type: Deletion.
Coding change: c.1818del on transcript NM_000465.4 (MANE Select); coding-DNA position 1818, one base deleted (T; older notation c.1818delT).
Protein change: p.His606fs; shifts the reading frame from histidine 606.
Molecular consequence: frameshift variant. On other transcripts: non-coding transcript variant (3), intron variant (1).
Genome position (GRCh38, 1-based): chr2:214,745,152, A deleted on the plus strand (T on the coding strand, the reverse complement: BARD1 is on the minus strand). VCF-style (leftmost placement, unchanged base first): chr2-214745151-CA-C. GRCh37 (hg19) VCF-style: chr2-215609875-CA-C.
Other names: c.1761del, p.His587fs (NM_001282543.2); c.465del, p.His155fs (NM_001282545.2); c.408del, p.His136fs (NM_001282548.2); c.365-14644del (NM_001282549.2); short protein forms H587fs, H606fs, H155fs, H136fs.
Identifiers: ClinVar variation 1780703 (VCV001780703.2), dbSNP rs2469338532, ClinGen allele CA2580065601.
Genomic context (GRCh38, chr2:214,745,151, plus strand): 5'-CATTGAGAATCCCAAGCATACACTTCAAGGTACTTTGAACTGCATCACCAGGAACAACAA[CA>C]TGAGTTACTAAAATACAAAAAAAGCAGTAAGAGAAAGAAAGATACAAGCCAAAGTATTTC-3'

ClinVar aggregate classification (germline): Pathogenic (1 of 4 stars; one submission).

Conditions:
Hereditary cancer-predisposing syndrome. Also called: Neoplastic Syndromes, Hereditary; Tumor predisposition; Hereditary Cancer Syndrome; Hereditary neoplastic syndrome. Identifiers: Orphanet 140162, MedGen C0027672, MeSH D009386, MONDO:0015356.

Submission:

Ambry Genetics
Classification: Pathogenic for Hereditary cancer-predisposing syndrome. Last evaluated: 2021-11-05. Review status: criteria provided, single submitter. Criteria: Ambry Variant Classification Scheme 2023. Collection method: clinical testing. Allele origin: germline.
Comment: The c.1818delT pathogenic mutation, located in coding exon 9 of the BARD1 gene, results from a deletion of one nucleotide at nucleotide position 1818, causing a translational frameshift with a predicted alternate stop codon (p.H606Qfs*13). This variant is considered to be rare based on population cohorts in the Genome Aggregation Database (gnomAD). This alteration is expected to result in loss of function by premature protein truncation or nonsense-mediated mRNA decay. As such, this alteration is interpreted as a disease-causing mutation.